The following is an entry in ClinVar:

NM_015378.4(VPS13D):c.5789G>A (p.Gly1930Glu)

Gene: VPS13D (vacuolar protein sorting 13 homolog D; plus strand). Cytogenetic location: 1p36.22.
Variant type: single nucleotide variant.
Coding change: c.5789G>A on transcript NM_015378.4 (MANE Select); coding-DNA position 5789, G replaced by A.
Protein change: p.Gly1930Glu; replaces glycine 1930 with glutamic acid.
Molecular consequence: missense variant.
Genome position (GRCh38, 1-based): chr1:12,291,061, G>A. VCF-style: chr1-12291061-G-A. GRCh37 (hg19) VCF-style: chr1-12351118-G-A.
Other names: p.Gly1930Glu; c.5789G>A, p.Gly1930Glu (NM_018156.4); c.5789G>A (NM_015378.2); short protein forms G1930E.
Identifiers: ClinVar variation 1384467 (VCV001384467.7), dbSNP rs370203957, ClinGen allele CA602421.

ClinVar aggregate classification (germline): Uncertain significance. Review status: criteria provided, multiple submitters, no conflicts (2 of 4 stars). 3 submissions from 3 submitters: Uncertain significance (3). Last evaluated 2025-12-03.

Conditions:
Inborn genetic diseases. Identifiers: MedGen C0950123, MeSH D030342.

Allele frequency attached by ClinVar (database versions not stated): gnomAD 0.00006 and 0.00005; TOPMed 0.00005; gnomAD exomes 0.00006 and 0.00005; ESP Exome Variant Server 0.00015; ExAC 0.00006.
gnomAD v4.1: 95 of 1,613,976 alleles (0.0059%); highest among the groups gnomAD compares: Non-Finnish European, 0.0074%; no homozygotes.

Submissions (3):

Mayo Clinic Laboratories, Mayo Clinic
Classification: Uncertain significance. Last evaluated: 2025-12-03. Review status: criteria provided, single submitter. Criteria: ACMG Guidelines, 2015. Collection method: clinical testing. Allele origin: germline. Observed: 1 variant allele.
Comment: PM2_supporting

Ambry Genetics
Classification: Uncertain significance for Inborn genetic diseases. Last evaluated: 2024-04-23. Review status: criteria provided, single submitter. Criteria: Ambry Variant Classification Scheme 2023. Collection method: clinical testing. Allele origin: germline.

Labcorp Genetics (formerly Invitae), Labcorp
Classification: Uncertain significance. Last evaluated: 2022-02-03. Review status: criteria provided, single submitter. Criteria: Invitae Variant Classification Sherloc (09022015). Collection method: clinical testing. Allele origin: germline.
Comment: This sequence change replaces glycine, which is neutral and non-polar, with glutamic acid, which is acidic and polar, at codon 1930 of the VPS13D protein (p.Gly1930Glu). This variant is present in population databases (rs370203957, gnomAD 0.009%). This variant has not been reported in the literature in individuals affected with VPS13D-related conditions. Algorithms developed to predict the effect of missense changes on protein structure and function are either unavailable or do not agree on the potential impact of this missense change (SIFT: "Deleterious"; PolyPhen-2: "Probably Damaging"; Align-GVGD: "Class C0"). In summary, the available evidence is currently insufficient to determine the role of this variant in disease. Therefore, it has been classified as a Variant of Uncertain Significance.